The following is an entry in ClinVar:

NC_000022.10:g.(?_38111750)_(38111961_?)del

Gene: TRIOBP (TRIO and F-actin binding protein; plus strand). Cytogenetic location: 22q13.1.
Variant type: Deletion.
Identifiers: ClinVar variation 2423539 (VCV002423539.4).

ClinVar aggregate classification (germline): Pathogenic (1 of 4 stars; one submission).

Submission:

Labcorp Genetics (formerly Invitae), Labcorp
Classification: Pathogenic. Last evaluated: 2022-09-15. Review status: criteria provided, single submitter. Criteria: Invitae Variant Classification Sherloc (09022015). Collection method: clinical testing. Allele origin: germline.
Comment: For these reasons, this variant has been classified as Pathogenic. This variant has not been reported in the literature in individuals affected with TRIOBP-related conditions. This variant is a gross deletion of the genomic region encompassing exon(s) 6 of the TRIOBP gene. This deletion is out-of-frame, and is expected to create a premature termination codon and result in an absent or disrupted protein product. Loss-of-function variants in TRIOBP are known to be pathogenic (PMID: 16385457, 16385458, 20510926).

Literature cited by the submitters: PubMed 16385457; PubMed 16385458; PubMed 20510926.